The following is an entry in ClinVar:

NM_006005.3(WFS1):c.-100C>T

Genes: WFS1 (wolframin ER transmembrane glycoprotein; plus strand), LOC129992166 (ATAC-STARR-seq lymphoblastoid silent region 15229; plus strand). Cytogenetic location: 4p16.1.
Variant type: single nucleotide variant.
Coding change: c.-100C>T on transcript NM_006005.3 (MANE Select); 100 bases upstream of the start codon, C replaced by T.
Molecular consequence: 5 prime UTR variant.
Genome position (GRCh38, 1-based): chr4:6,269,920, C>T. VCF-style: chr4-6269920-C-T. GRCh37 (hg19) VCF-style: chr4-6271647-C-T.
Other names: c.-96C>T (NM_001145853.1).
Identifiers: ClinVar variation 1802674 (VCV001802674.1), dbSNP rs886059524, ClinGen allele CA91778059.

ClinVar aggregate classification (germline): Benign (1 of 4 stars; one submission).

Conditions:
Wolfram syndrome 1 (WFS1). Identifiers: Orphanet 3463, MedGen C4551693, MONDO:0009101, OMIM 222300.

Submission:

Clinical Genomics, Uppaluri K&H Personalized Medicine Clinic
Classification: Benign for Wolfram syndrome 1. Review status: criteria provided, single submitter. Criteria: K & H Uppaluri Personalized Medicine Clinic Variant Classification & Assertion Criteria_Updated V.1. Collection method: research. Allele origin: unknown. Inheritance: Autosomal recessive inheritance.
Comment: Potent mutations in WFS1 gene are associated with Wolfram's syndrome, an autosomal recessive condition, which cause diabetes mellitus, diabetes insipidus, deafness and optic atrophy.However no sufficient evidence is found to ascertain the role of this particular variant rs886059524 yet.

Literature cited by the submitters: PubMed 20738327; PubMed 33879153; PubMed 12955714; PubMed 18060660; PubMed 20301750; PubMed 17603484.